The following is an entry in ClinVar:

NM_001286445.3(RIPOR2):c.2182C>T (p.Leu728Phe)

Gene: RIPOR2 (RHO family interacting cell polarization regulator 2; minus strand). Cytogenetic location: 6p22.3.
Variant type: single nucleotide variant.
Coding change: c.2182C>T on transcript NM_001286445.3 (MANE Select); coding-DNA position 2182, C replaced by T.
Protein change: p.Leu728Phe; replaces leucine 728 with phenylalanine.
Molecular consequence: missense variant.
Genome position (GRCh38, 1-based): chr6:24,835,729, G>A on the plus strand (C>T on the coding strand, the complement: RIPOR2 is on the minus strand). VCF-style: chr6-24835729-G-A. GRCh37 (hg19) VCF-style: chr6-24835957-G-A.
Other names: c.2245C>T (NM_014722.4); c.2095C>T, p.Leu699Phe (NM_001346031.2, NM_001346032.2); c.2245C>T, p.Leu749Phe (NM_014722.5); short protein forms L699F, L749F, L728F.
Identifiers: ClinVar variation 2467434 (VCV002467434.4), dbSNP rs61733144, ClinGen allele CA3659131.

ClinVar aggregate classification (germline): Uncertain significance. Review status: criteria provided, multiple submitters, no conflicts (2 of 4 stars). 2 submissions from 2 submitters: Uncertain significance (2). Last evaluated 2026-03-10.

Conditions:
RIPOR2-related disorder. Also called: RIPOR2-related condition.

Allele frequency attached by ClinVar (database versions not stated): gnomAD exomes 0.00001; ExAC 0.00009; gnomAD 0.00011; TOPMed 0.00013.
gnomAD v4.1: 33 of 1,551,530 alleles (0.0021%); highest among the groups gnomAD compares: African/African-American, 0.038%; no homozygotes.

Submissions (2):

PreventionGenetics, part of Exact Sciences
Classification: Uncertain significance for RIPOR2-related condition. Last evaluated: 2026-03-10. Review status: criteria provided, single submitter. Criteria: ACMG Guidelines, 2015. Collection method: clinical testing. Allele origin: germline.
Comment: The RIPOR2 c.2245C>T variant is predicted to result in the amino acid substitution p.Leu749Phe. To our knowledge, this variant has not been reported in the literature. This variant is reported in 0.042% of alleles in individuals of African descent in gnomAD. At this time, the clinical significance of this variant is uncertain due to the absence of conclusive functional and genetic evidence.

Ambry Genetics
Classification: Uncertain significance. Last evaluated: 2025-08-23. Review status: criteria provided, single submitter. Criteria: Ambry Variant Classification Scheme 2023. Collection method: clinical testing. Allele origin: germline.